The following is an entry in ClinVar:

NM_052947.4(ALPK2):c.3052C>T (p.His1018Tyr)

Gene: ALPK2 (alpha kinase 2; minus strand). Cytogenetic location: 18q21.31.
Variant type: single nucleotide variant.
Coding change: c.3052C>T on transcript NM_052947.4 (MANE Select); coding-DNA position 3052, C replaced by T.
Protein change: p.His1018Tyr; replaces histidine 1018 with tyrosine.
Molecular consequence: missense variant.
Genome position (GRCh38, 1-based): chr18:58,537,135, G>A on the plus strand (C>T on the coding strand, the complement: ALPK2 is on the minus strand). VCF-style: chr18-58537135-G-A. GRCh37 (hg19) VCF-style: chr18-56204367-G-A.
Other names: short protein forms H1018Y.
Identifiers: ClinVar variation 3532035 (VCV003532035.1).

ClinVar aggregate classification (germline): Uncertain significance (1 of 4 stars; one submission).

Submission:

Ambry Genetics
Classification: Uncertain significance. Last evaluated: 2024-11-12. Review status: criteria provided, single submitter. Criteria: Ambry Variant Classification Scheme 2023. Collection method: clinical testing. Allele origin: germline.
Comment: The p.H1018Y variant (also known as c.3052C>T), located in coding exon 4 of the ALPK2 gene, results from a C to T substitution at nucleotide position 3052. The histidine at codon 1018 is replaced by tyrosine, an amino acid with similar properties. This amino acid position is conserved. In addition, this alteration is predicted to be tolerated by in silico analysis. Based on the available evidence, the clinical significance of this variant remains unclear.